The following is an entry in ClinVar:

ClinVar aggregate classification (germline): Pathogenic (1 of 4 stars; one submission).

Conditions:
Neuromuscular disease caused by qualitative or quantitative defects of dysferlin. Also called: Dysferlinopathy; Qualitative or quantitative defects of dysferlin. Identifiers: Orphanet 207073, MedGen C2931687, MONDO:0016145.

Submission:

Labcorp Genetics (formerly Invitae), Labcorp
Classification: Pathogenic for Neuromuscular disease caused by qualitative or quantitative defects of dysferlin. Last evaluated: 2024-07-08. Review status: criteria provided, single submitter. Criteria: Invitae Variant Classification Sherloc (09022015). Collection method: clinical testing. Allele origin: germline.
Comment: This sequence change creates a premature translational stop signal (p.Leu341Trpfs*31) in the DYSF gene. It is expected to result in an absent or disrupted protein product. Loss-of-function variants in DYSF are known to be pathogenic (PMID: 17698709, 20301480). This variant is not present in population databases (gnomAD no frequency). This variant has not been reported in the literature in individuals affected with DYSF-related conditions. For these reasons, this variant has been classified as Pathogenic.

Literature cited by the submitters: PubMed 17698709; PubMed 20301480.

NM_001130987.2(DYSF):c.1117_1126del (p.Leu373fs)

Gene: DYSF (dysferlin; plus strand). Cytogenetic location: 2p13.2.
Variant type: Deletion.
Coding change: c.1117_1126del on transcript NM_001130987.2 (MANE Select); coding-DNA positions 1117 to 1126, 10 bases deleted (CTTTGTGTGC; older notation c.1117_1126delCTTTGTGTGC).
Protein change: p.Leu373fs; shifts the reading frame from leucine 373.
Molecular consequence: frameshift variant.
Genome position (GRCh38, 1-based): chr2:71,520,872-71,520,881, CTTTGTGTGC deleted; deleting any 10 consecutive bases within chr2:71,520,870-71,520,881 gives the same sequence; the c. name uses the placement nearest the transcript's 3' end. VCF-style (leftmost placement, unchanged base first): chr2-71520869-AGCCTTTGTGT-A. GRCh37 (hg19) VCF-style: chr2-71747999-AGCCTTTGTGT-A.
Other names: c.1024_1033del, p.Leu342fs (NM_001130455.2, NM_001130983.2, NM_001130984.2 and 1 more transcripts); c.1021_1030del, p.Leu341fs (NM_001130976.2, NM_001130977.2, NM_001130978.2 and 1 more transcripts); c.1114_1123del, p.Leu372fs (NM_001130979.2, NM_001130980.2, NM_001130981.2); c.1117_1126del, p.Leu373fs (NM_001130982.2, NM_001130985.2); short protein forms L341fs, L372fs, L373fs, L342fs.
Identifiers: ClinVar variation 3652280 (VCV003652280.2).